The following is an entry in ClinVar:

NM_000135.4(FANCA):c.2812G>A (p.Glu938Lys)

Gene: FANCA (FA complementation group A; minus strand). Cytogenetic location: 16q24.3.
Variant type: single nucleotide variant.
Coding change: c.2812G>A on transcript NM_000135.4 (MANE Select); coding-DNA position 2812, G replaced by A.
Protein change: p.Glu938Lys; replaces glutamic acid 938 with lysine.
Molecular consequence: missense variant.
Genome position (GRCh38, 1-based): chr16:89,761,989, C>T on the plus strand (G>A on the coding strand, the complement: FANCA is on the minus strand). VCF-style: chr16-89761989-C-T. GRCh37 (hg19) VCF-style: chr16-89828397-C-T.
Other names: c.2812G>A, p.Glu938Lys (NM_001286167.3); short protein forms E938K.
Identifiers: ClinVar variation 4022288 (VCV004022288.1).

ClinVar aggregate classification (germline): Uncertain significance (1 of 4 stars; one submission).

Conditions:
Inborn genetic diseases. Identifiers: MedGen C0950123, MeSH D030342.

gnomAD v4.1: 1 of 1,613,970 alleles (0.000062%); highest among the groups gnomAD compares: East Asian, 0.0022%; no homozygotes.

Submission:

Ambry Genetics
Classification: Uncertain significance for Inborn genetic diseases. Last evaluated: 2025-05-19. Review status: criteria provided, single submitter. Criteria: Ambry Variant Classification Scheme 2023. Collection method: clinical testing. Allele origin: germline.
Comment: The p.E938K variant (also known as c.2812G>A), located in coding exon 29 of the FANCA gene, results from a G to A substitution at nucleotide position 2812. The glutamic acid at codon 938 is replaced by lysine, an amino acid with similar properties. This amino acid position is conserved. In addition, the in silico prediction for this alteration is inconclusive. Based on the available evidence, the clinical significance of this variant remains unclear.